The following is an entry in ClinVar:

NM_001032283.3(TMPO):c.565+1081G>C

Gene: TMPO (thymopoietin; plus strand). Cytogenetic location: 12q23.1.
Variant type: single nucleotide variant.
Coding change: c.565+1081G>C on transcript NM_001032283.3 (MANE Select); 1081 bases into the intron after coding-DNA position 565, G replaced by C.
Molecular consequence: intron variant. On other transcripts: missense variant (1).
Genome position (GRCh38, 1-based): chr12:98,532,919, G>C. VCF-style: chr12-98532919-G-C. GRCh37 (hg19) VCF-style: chr12-98926697-G-C.
Other names: c.662G>C, p.Gly221Ala (NM_003276.2); c.565+1081G>C (NM_001307975.2, NM_001032284.3); short protein forms G221A.
Identifiers: ClinVar variation 3458774 (VCV003458774.1).

ClinVar aggregate classification (germline): Uncertain significance (1 of 4 stars; one submission).

Submission:

Ambry Genetics
Classification: Uncertain significance. Last evaluated: 2024-10-28. Review status: criteria provided, single submitter. Criteria: Ambry Variant Classification Scheme 2023. Collection method: clinical testing. Allele origin: germline.
Comment: The p.G221A variant (also known as c.662G>C), located in coding exon 4 of the TMPO gene, results from a G to C substitution at nucleotide position 662. The glycine at codon 221 is replaced by alanine, an amino acid with similar properties. This amino acid position is conserved. In addition, this alteration is predicted to be tolerated by in silico analysis. Based on the available evidence, the clinical significance of this variant remains unclear.